The following is an entry in ClinVar:

NM_004463.3(FGD1):c.1752T>G (p.Ile584Met)

Gene: FGD1 (FYVE, RhoGEF and PH domain containing 1; minus strand). Cytogenetic location: Xp11.22.
Variant type: single nucleotide variant.
Coding change: c.1752T>G on transcript NM_004463.3 (MANE Select); coding-DNA position 1752, T replaced by G.
Protein change: p.Ile584Met; replaces isoleucine 584 with methionine.
Molecular consequence: missense variant.
Genome position (GRCh38, 1-based): chrX:54,456,310, A>C on the plus strand (T>G on the coding strand, the complement: FGD1 is on the minus strand). VCF-style: chrX-54456310-A-C. GRCh37 (hg19) VCF-style: chrX-54482743-A-C.
Other names: short protein forms I584M.
Identifiers: ClinVar variation 2136248 (VCV002136248.1), dbSNP rs1922501013, ClinGen allele CA413360318.

ClinVar aggregate classification (germline): Uncertain significance (1 of 4 stars; one submission).

Submission:

GeneDx
Classification: Uncertain significance. Last evaluated: 2022-07-20. Review status: criteria provided, single submitter. Criteria: GeneDx Variant Classification Process June 2021. Collection method: clinical testing. Allele origin: germline. Affected: yes.
Comment: Not observed at significant frequency in large population cohorts (gnomAD); In silico analysis supports that this missense variant has a deleterious effect on protein structure/function; Has not been previously published as pathogenic or benign to our knowledge